The following is an entry in ClinVar:

NM_138694.4(PKHD1):c.1396G>A (p.Gly466Arg)

Gene: PKHD1 (PKHD1 ciliary IPT domain containing fibrocystin/polyductin; minus strand). Cytogenetic location: 6p12.2.
Variant type: single nucleotide variant.
Coding change: c.1396G>A on transcript NM_138694.4 (MANE Select); coding-DNA position 1396, G replaced by A.
Protein change: p.Gly466Arg; replaces glycine 466 with arginine.
Molecular consequence: missense variant.
Genome position (GRCh38, 1-based): chr6:52,058,439, C>T on the plus strand (G>A on the coding strand, the complement: PKHD1 is on the minus strand). VCF-style: chr6-52058439-C-T. GRCh37 (hg19) VCF-style: chr6-51923237-C-T.
Other names: c.1396G>A, p.Gly466Arg (NM_170724.3); c.1396G>A (NM_138694.3); short protein forms G466R.
Identifiers: ClinVar variation 2677858 (VCV002677858.2), dbSNP rs1410954062, ClinGen allele CA364426699.
Genomic context (GRCh38, chr6:52,058,439, plus strand): 5'-AAGTGGTGACCACATCAGGATTCAGCCAGGTGTTGTGAATCTGGACACCAATCCTCATCC[C>T]CCTGCTTGGGGCTATCCCATGATGCTCTGCTTCCAGGTAGTACATGGCTCCACCCAACAG-3'
Protein context (NP_619639.3, residues 456-476): AEHHGIAPSR[Gly466Arg]MRIGVQIHNT

ClinVar aggregate classification (germline): Likely pathogenic. Review status: criteria provided, multiple submitters, no conflicts (2 of 4 stars). 2 submissions from 2 submitters: Likely pathogenic (2). Last evaluated 2025-01-15.

Conditions:
Polycystic kidney disease 4 (PKD4). Also called: POLYCYSTIC KIDNEY AND HEPATIC DISEASE 1; POLYCYSTIC KIDNEY DISEASE, INFANTILE, TYPE I; PKD3; POLYCYSTIC KIDNEY DISEASE 4 WITH OR WITHOUT POLYCYSTIC LIVER DISEASE; Autosomal Recessive Polycystic Kidney Disease – PKHD1. Identifiers: MedGen C4540575, MONDO:0033004, OMIM 263200.
Autosomal recessive polycystic kidney disease (ARPKD). Also called: AR polycystic kidney disease. Identifiers: Orphanet 731, Orphanet 8378, MedGen C0085548, MeSH D017044, MONDO:0009889.

Allele frequency attached by ClinVar (database versions not stated): TOPMed below 0.00001; gnomAD 0.00001.
gnomAD v4.1: 4 of 1,614,024 alleles (0.00025%); highest among the groups gnomAD compares: East Asian, 0.0045%; no homozygotes.

Submissions (2):

Natera, Inc.
Classification: Likely pathogenic for Autosomal recessive polycystic kidney disease. Last evaluated: 2025-01-15. Review status: criteria provided, single submitter. Criteria: Natera Variant Classification Schema (03/2026). Collection method: clinical testing. Allele origin: germline.
Comment: The c.1396G>A variant in PKHD1 is a missense variant predicted to cause substitution of glycine to arginine at amino acid 466. This variant is rare in the general population with a frequency below the threshold expected for the associated phenotype(s). This variant has been observed in one or more individuals affected with the associated recessive disease, as either homozygous or compound heterozygous with a second variant (PMID: 34536170, 37875772). A different variant at the same position has been determined to be Pathogenic or Likely Pathogenic. Computational prediction algorithms indicate this variant is likely to affect gene or protein function. Given the available evidence, this variant is classified as Likely Pathogenic.

Baylor Genetics
Classification: Likely pathogenic for Polycystic kidney disease 4. Last evaluated: 2022-11-08. Review status: criteria provided, single submitter. Criteria: ACMG Guidelines, 2015. Collection method: clinical testing. Allele origin: unknown.

Literature cited by the submitters: PubMed 34536170 (cited by Natera, Inc.); PubMed 37875772 (cited by Natera, Inc.).